The following is an entry in ClinVar:

ClinVar aggregate classification (germline): Uncertain significance. Review status: criteria provided, multiple submitters, no conflicts (2 of 4 stars). 2 submissions from 2 submitters: Uncertain significance (2). Last evaluated 2018-12-16.

Conditions:
Hereditary cancer-predisposing syndrome. Also called: Hereditary Cancer Syndrome; Tumor predisposition; Hereditary neoplastic syndrome; Neoplastic Syndromes, Hereditary. Identifiers: Orphanet 140162, MedGen C0027672, MeSH D009386, MONDO:0015356.
Hereditary breast ovarian cancer syndrome. Also called: Hereditary breast and ovarian cancer; Hereditary breast and ovarian cancer syndrome; BRCA1- and BRCA2-Associated Hereditary Breast and Ovarian Cancer; Hereditary breast and ovarian cancer syndrome (HBOC); Breast and ovarian cancer; Hereditary breast and/or ovarian cancer syndrome. Identifiers: Orphanet 145, MedGen C0677776, MeSH D061325, MONDO:0003582. Disease mechanism: loss of function.

Submissions (2):

Labcorp Genetics (formerly Invitae), Labcorp
Classification: Uncertain significance for Hereditary breast ovarian cancer syndrome. Last evaluated: 2018-12-16. Review status: criteria provided, single submitter. Criteria: Invitae Variant Classification Sherloc (09022015). Collection method: clinical testing. Allele origin: germline.
Comment: In summary, the available evidence is currently insufficient to determine the role of this variant in disease. Therefore, it has been classified as a Variant of Uncertain Significance. Algorithms developed to predict the effect of missense changes on protein structure and function are either unavailable or do not agree on the potential impact of this missense change (SIFT: "Tolerated"; PolyPhen-2: "Possibly Damaging"; Align-GVGD: "Class C0"). This variant has not been reported in the literature in individuals with BRCA2-related conditions. This variant is not present in population databases (ExAC no frequency). This sequence change replaces alanine with proline at codon 2825 of the BRCA2 protein (p.Ala2825Pro). The alanine residue is weakly conserved and there is a small physicochemical difference between alanine and proline.

Ambry Genetics
Classification: Uncertain significance for Hereditary cancer-predisposing syndrome. Last evaluated: 2018-07-30. Review status: criteria provided, single submitter. Criteria: Ambry Variant Classification Scheme 2023. Collection method: clinical testing. Allele origin: germline.
Comment: The p.A2825P variant (also known as c.8473G>C), located in coding exon 18 of the BRCA2 gene, results from a G to C substitution at nucleotide position 8473. The alanine at codon 2825 is replaced by proline, an amino acid with highly similar properties. This amino acid position is poorly conserved in available vertebrate species. In addition, the in silico prediction for this alteration is inconclusive. Since supporting evidence is limited at this time, the clinical significance of this alteration remains unclear.

NM_000059.4(BRCA2):c.8473G>C (p.Ala2825Pro)

Gene: BRCA2 (BRCA2 DNA repair associated; plus strand). Cytogenetic location: 13q13.1.
Variant type: single nucleotide variant.
Coding change: c.8473G>C on transcript NM_000059.4 (MANE Select); coding-DNA position 8473, G replaced by C.
Protein change: p.Ala2825Pro; replaces alanine 2825 with proline.
Molecular consequence: missense variant.
Genome position (GRCh38, 1-based): chr13:32,370,543, G>C. VCF-style: chr13-32370543-G-C. GRCh37 (hg19) VCF-style: chr13-32944680-G-C.
Other names: short protein forms A2825P.
Identifiers: ClinVar variation 647066 (VCV000647066.13), dbSNP rs587782874, ClinGen allele CA387752625.
Genomic context (GRCh38, chr13:32,370,543, plus strand): 5'-TTATCATCGCTTTTCAGTGATGGAGGAAATGTTGGTTGTGTTGATGTAATTATTCAAAGA[G>C]CATACCCTATACAGGTATGATGTATTCTTGAAACTTACCATATATTTCTTTCTTTTGATA-3'
Protein context (NP_000050.3, residues 2815-2835): VGCVDVIIQR[Ala2825Pro]YPIQWMEKTS